The following is an entry in ClinVar:

NM_024577.4(SH3TC2):c.407A>G (p.Glu136Gly)

Gene: SH3TC2 (SH3 domain and tetratricopeptide repeats 2; minus strand). Cytogenetic location: 5q32.
Variant type: single nucleotide variant.
Coding change: c.407A>G on transcript NM_024577.4 (MANE Select); coding-DNA position 407, A replaced by G.
Protein change: p.Glu136Gly; replaces glutamic acid 136 with glycine.
Molecular consequence: missense variant.
Genome position (GRCh38, 1-based): chr5:149,042,816, T>C on the plus strand (A>G on the coding strand, the complement: SH3TC2 is on the minus strand). VCF-style: chr5-149042816-T-C. GRCh37 (hg19) VCF-style: chr5-148422379-T-C.
Other names: short protein forms E136G.
Identifiers: ClinVar variation 2104835 (VCV002104835.4), dbSNP rs2531793069, ClinGen allele CA361676152.

ClinVar aggregate classification (germline): Uncertain significance (1 of 4 stars; one submission).

Conditions:
Charcot-Marie-Tooth disease type 4. Also called: Charcot-Marie-Tooth disease, type IV; Charcot-Marie-Tooth, Type 4. Identifiers: Orphanet 64749, MedGen C4082197, MONDO:0018995.

Submission:

Labcorp Genetics (formerly Invitae), Labcorp
Classification: Uncertain significance for Charcot-Marie-Tooth disease type 4. Last evaluated: 2022-04-11. Review status: criteria provided, single submitter. Criteria: Invitae Variant Classification Sherloc (09022015). Collection method: clinical testing. Allele origin: germline.
Comment: Algorithms developed to predict the effect of sequence changes on RNA splicing suggest that this variant may create or strengthen a splice site. This sequence change replaces glutamic acid, which is acidic and polar, with glycine, which is neutral and non-polar, at codon 136 of the SH3TC2 protein (p.Glu136Gly). This variant is not present in population databases (gnomAD no frequency). This variant has not been reported in the literature in individuals affected with SH3TC2-related conditions. Algorithms developed to predict the effect of missense changes on protein structure and function (SIFT, PolyPhen-2, Align-GVGD) all suggest that this variant is likely to be disruptive. In summary, the available evidence is currently insufficient to determine the role of this variant in disease. Therefore, it has been classified as a Variant of Uncertain Significance.